The following is an entry in ClinVar:

ClinVar aggregate classification (germline): Likely pathogenic (1 of 4 stars; one submission).

Conditions:
Microcephaly 1, primary, autosomal recessive (MCPH1). Also called: PREMATURE CHROMOSOME CONDENSATION SYNDROME; PCC SYNDROME; PREMATURE CHROMOSOME CONDENSATION WITH MICROCEPHALY AND MENTAL RETARDATION. Identifiers: Orphanet 2512, MedGen C1855081, MONDO:0009617, OMIM 251200.

gnomAD v4.1: 23 of 1,613,814 alleles (0.0014%); highest among the groups gnomAD compares: South Asian, 0.0044%; no homozygotes.

Submission:

Otogenetics
Classification: Likely pathogenic for Microcephaly 1, primary, autosomal recessive. Last evaluated: 2025-08-04. Review status: criteria provided, single submitter. Criteria: ACMG Guidelines, 2015. Collection method: clinical testing. Allele origin: germline. Affected: no.
Comment: PVS1_Strong: Null variant occurring in canonical splice site which alters a critical domain in a gene with loss of function as mechanism of disease ; PM2: Aggregated gnomAD MAF of 0.0014% (<0.244% threshold)

NM_024596.5(MCPH1):c.2453-1G>A

Genes: MCPH1 (microcephalin 1; plus strand), MCPH1-AS1 (MCPH1 antisense RNA 1; minus strand). Cytogenetic location: 8p23.1.
Variant type: single nucleotide variant.
Coding change: c.2453-1G>A on transcript NM_024596.5 (MANE Select); the canonical splice acceptor site of the intron before coding-DNA position 2453, G replaced by A.
Molecular consequence: splice acceptor variant.
Genome position (GRCh38, 1-based): chr8:6,642,993, G>A. VCF-style: chr8-6642993-G-A. GRCh37 (hg19) VCF-style: chr8-6500514-G-A.
Other names: c.2595-1G>A (NM_001322042.2); c.2174-1G>A (NM_001363980.2).
Identifiers: ClinVar variation 4077009 (VCV004077009.1).